The following is an entry in ClinVar:

NM_001903.5(CTNNA1):c.1911G>C (p.Glu637Asp)

Gene: CTNNA1 (catenin alpha 1; plus strand). Cytogenetic location: 5q31.2.
Variant type: single nucleotide variant.
Coding change: c.1911G>C on transcript NM_001903.5 (MANE Select); coding-DNA position 1911, G replaced by C.
Protein change: p.Glu637Asp; replaces glutamic acid 637 with aspartic acid.
Molecular consequence: missense variant.
Genome position (GRCh38, 1-based): chr5:138,929,257, G>C. VCF-style: chr5-138929257-G-C. GRCh37 (hg19) VCF-style: chr5-138264946-G-C.
Other names: c.1911G>C, p.Glu637Asp (NM_001290307.3, NM_001323982.2, NM_001323983.1 and 2 more transcripts); c.1602G>C, p.Glu534Asp (NM_001290309.3); c.1542G>C, p.Glu514Asp (NM_001290310.3); c.801G>C, p.Glu267Asp (NM_001290312.1, NM_001323987.1, NM_001323988.1 and 17 more transcripts); c.1818G>C, p.Glu606Asp (NM_001323986.2); c.462G>C, p.Glu154Asp (NM_001324006.1, NM_001324007.1, NM_001324008.1 and 2 more transcripts); c.708G>C, p.Glu236Asp (NM_001324011.1); c.558G>C, p.Glu186Asp (NM_001324012.1, NM_001324013.1); short protein forms E267D, E514D, E606D, E236D, E534D, E154D, E186D, E637D.
Identifiers: ClinVar variation 4744003 (VCV004744003.1).

ClinVar aggregate classification (germline): Uncertain significance (1 of 4 stars; one submission).

Submission:

Labcorp Genetics (formerly Invitae), Labcorp
Classification: Uncertain significance. Last evaluated: 2025-03-16. Review status: criteria provided, single submitter. Criteria: Invitae Variant Classification Sherloc (09022015). Collection method: clinical testing. Allele origin: germline.
Comment: This sequence change replaces glutamic acid, which is acidic and polar, with aspartic acid, which is acidic and polar, at codon 637 of the CTNNA1 protein (p.Glu637Asp). This variant is not present in population databases (gnomAD no frequency). This variant has not been reported in the literature in individuals affected with CTNNA1-related conditions. Invitae Evidence Modeling of protein sequence and biophysical properties (such as structural, functional, and spatial information, amino acid conservation, physicochemical variation, residue mobility, and thermodynamic stability) indicates that this missense variant is not expected to disrupt CTNNA1 protein function with a negative predictive value of 80%. In summary, the available evidence is currently insufficient to determine the role of this variant in disease. Therefore, it has been classified as a Variant of Uncertain Significance.